The following is an entry in ClinVar:

ClinVar aggregate classification (germline): Uncertain significance (1 of 4 stars; one submission).

Conditions:
Inborn genetic diseases. Identifiers: MedGen C0950123, MeSH D030342.

Submission:

Ambry Genetics
Classification: Uncertain significance for Inborn genetic diseases. Last evaluated: 2026-02-24. Review status: criteria provided, single submitter. Criteria: Ambry Variant Classification Scheme 2023. Collection method: clinical testing. Allele origin: germline.
Comment: The p.V1239A variant (also known as c.3716T>C), located in coding exon 17 of the MECOM gene, results from a T to C substitution at nucleotide position 3716. The valine at codon 1239 is replaced by alanine, an amino acid with similar properties. This amino acid position is conserved. In addition, the in silico prediction for this alteration is inconclusive. Based on the available evidence, the clinical significance of this variant remains unclear.

NM_004991.4(MECOM):c.3716T>C (p.Val1239Ala)

Gene: MECOM (MDS1 and EVI1 complex locus; minus strand). Cytogenetic location: 3q26.2.
Variant type: single nucleotide variant.
Coding change: c.3716T>C on transcript NM_004991.4 (MANE Select); coding-DNA position 3716, T replaced by C.
Protein change: p.Val1239Ala; replaces valine 1239 with alanine.
Molecular consequence: missense variant.
Genome position (GRCh38, 1-based): chr3:169,084,913, A>G on the plus strand (T>C on the coding strand, the complement: MECOM is on the minus strand). VCF-style: chr3-169084913-A-G. GRCh37 (hg19) VCF-style: chr3-168802701-A-G.
Other names: c.3347T>C, p.Val1116Ala (NM_001105077.4); c.3152T>C, p.Val1051Ala (NM_001105078.4, NM_001205194.2, NM_001366469.2 and 1 more transcripts); c.3128T>C, p.Val1043Ala (NM_001163999.2, NM_001366470.2); c.3125T>C, p.Val1042Ala (NM_001164000.2, NM_001366471.2, NM_001366472.2); c.3689T>C, p.Val1230Ala (NM_001366466.2); c.3155T>C, p.Val1052Ala (NM_001366467.2, NM_001366468.2); c.2717T>C, p.Val906Ala (NM_001366473.2); c.2153T>C, p.Val718Ala (NM_001366474.2); short protein forms V1042A, V1116A, V1051A, V1052A, V1043A, V1239A, V1230A, V718A.
Identifiers: ClinVar variation 4826701 (VCV004826701.1).
Genomic context (GRCh38, chr3:169,084,913, plus strand): 5'-ATGAAAGAGCCATGCTACTGTTGGACTTGGTCCCACTCTGGTCAACCTTGATAACGTCAT[A>G]CGTGGCTTATGGACTGGATAGCACTGGATTCCGCCGCAGCCCTGGCCATACTGTGCCACA-3'
Protein context (NP_004982.2, residues 1229-1239): ESSAIQSISH[Val1239Ala]